The following is an entry in ClinVar:

NM_001303256.3(MORC2):c.1541C>G (p.Ser514Cys)

Gene: MORC2 (MORC family CW-type zinc finger 2; minus strand). Cytogenetic location: 22q12.2.
Variant type: single nucleotide variant.
Coding change: c.1541C>G on transcript NM_001303256.3 (MANE Select); coding-DNA position 1541, C replaced by G.
Protein change: p.Ser514Cys; replaces serine 514 with cysteine.
Molecular consequence: missense variant.
Genome position (GRCh38, 1-based): chr22:30,936,995, G>C on the plus strand (C>G on the coding strand, the complement: MORC2 is on the minus strand). VCF-style: chr22-30936995-G-C. GRCh37 (hg19) VCF-style: chr22-31332982-G-C.
Other names: c.1541C>G, p.Ser514Cys (NM_001303257.2); c.1355C>G, p.Ser452Cys (NM_014941.3); short protein forms S514C, S452C.
Identifiers: ClinVar variation 861803 (VCV000861803.8), dbSNP rs1407971807, ClinGen allele CA411237536.

ClinVar aggregate classification (germline): Uncertain significance (1 of 4 stars; one submission).

Conditions:
Charcot-Marie-Tooth disease axonal type 2Z. Also called: CHARCOT-MARIE-TOOTH DISEASE, AXONAL, AUTOSOMAL DOMINANT, TYPE 2Z; CHARCOT-MARIE-TOOTH NEUROPATHY, TYPE 2Z. Identifiers: Orphanet 466768, MedGen C5569025, MONDO:0014736, OMIM 616688.

Allele frequency attached by ClinVar (database versions not stated): TOPMed 0.00001.

Submission:

Labcorp Genetics (formerly Invitae), Labcorp
Classification: Uncertain significance for Charcot-Marie-Tooth disease axonal type 2Z. Last evaluated: 2024-09-14. Review status: criteria provided, single submitter. Criteria: Invitae Variant Classification Sherloc (09022015). Collection method: clinical testing. Allele origin: germline.
Comment: This sequence change replaces serine, which is neutral and polar, with cysteine, which is neutral and slightly polar, at codon 514 of the MORC2 protein (p.Ser514Cys). This variant is not present in population databases (gnomAD no frequency). This variant has not been reported in the literature in individuals affected with MORC2-related conditions. ClinVar contains an entry for this variant (Variation ID: 861803). Invitae Evidence Modeling of protein sequence and biophysical properties (such as structural, functional, and spatial information, amino acid conservation, physicochemical variation, residue mobility, and thermodynamic stability) has been performed for this missense variant. However, the output from this modeling did not meet the statistical confidence thresholds required to predict the impact of this variant on MORC2 protein function. In summary, the available evidence is currently insufficient to determine the role of this variant in disease. Therefore, it has been classified as a Variant of Uncertain Significance.